The following is an entry in ClinVar:

NM_177438.3(DICER1):c.2552A>G (p.Gln851Arg)

Gene: DICER1 (dicer 1, ribonuclease III; minus strand). Cytogenetic location: 14q32.13.
Variant type: single nucleotide variant.
Coding change: c.2552A>G on transcript NM_177438.3 (MANE Select); coding-DNA position 2552, A replaced by G.
Protein change: p.Gln851Arg; replaces glutamine 851 with arginine.
Molecular consequence: missense variant. On other transcripts: non-coding transcript variant (6).
Genome position (GRCh38, 1-based): chr14:95,107,978, T>C on the plus strand (A>G on the coding strand, the complement: DICER1 is on the minus strand). VCF-style: chr14-95107978-T-C. GRCh37 (hg19) VCF-style: chr14-95574315-T-C.
Other names: c.2552A>G, p.Gln851Arg (NM_001195573.1, NM_001271282.3, NM_001291628.2 and 13 more transcripts); c.2270A>G, p.Gln757Arg (NM_001395686.1); c.2147A>G, p.Gln716Arg (NM_001395687.1, NM_001395688.1, NM_001395689.1 and 2 more transcripts); c.1985A>G, p.Gln662Arg (NM_001395691.1); c.869A>G, p.Gln290Arg (NM_001395697.1); short protein forms Q290R, Q662R, Q716R, Q757R, Q851R.
Identifiers: ClinVar variation 2089724 (VCV002089724.4), dbSNP rs2140024741, ClinGen allele CA390881737.
Genomic context (GRCh38, chr14:95,107,978, plus strand): 5'-TCTGTAGGTTTAAATTCTAGTGCAGGTTTTTCAAGCCGAAGAATATGTGAGAATATATAC[T>C]GGTGAAGTCTTGTAATCAACTCAAGCATTTGTAGAGACAACATGAAACCAGACTTCTTCA-3'
Protein context (NP_803187.1, residues 841-861): QMLELITRLH[Gln851Arg]YIFSHILRLE

ClinVar aggregate classification (germline): Uncertain significance (1 of 4 stars; one submission).

Conditions:
DICER1-related tumor predisposition. Also called: DICER1-related pleuropulmonary blastoma cancer predisposition syndrome; DICER1 syndrome. Identifiers: Orphanet 284343, MedGen C3839822, MONDO:0100216.

Submission:

Labcorp Genetics (formerly Invitae), Labcorp
Classification: Uncertain significance for DICER1-related tumor predisposition. Last evaluated: 2024-10-26. Review status: criteria provided, single submitter. Criteria: Invitae Variant Classification Sherloc (09022015). Collection method: clinical testing. Allele origin: germline.
Comment: This sequence change replaces glutamine, which is neutral and polar, with arginine, which is basic and polar, at codon 851 of the DICER1 protein (p.Gln851Arg). This variant is not present in population databases (gnomAD no frequency). This variant has not been reported in the literature in individuals affected with DICER1-related conditions. ClinVar contains an entry for this variant (Variation ID: 2089724). Invitae Evidence Modeling of protein sequence and biophysical properties (such as structural, functional, and spatial information, amino acid conservation, physicochemical variation, residue mobility, and thermodynamic stability) indicates that this missense variant is not expected to disrupt DICER1 protein function with a negative predictive value of 95%. In summary, the available evidence is currently insufficient to determine the role of this variant in disease. Therefore, it has been classified as a Variant of Uncertain Significance.